The following is an entry in ClinVar:

ClinVar aggregate classification (germline): Uncertain significance (1 of 4 stars; one submission).

Conditions:
Inborn genetic diseases. Identifiers: MedGen C0950123, MeSH D030342.

Submission:

Ambry Genetics
Classification: Uncertain significance for Inborn genetic diseases. Last evaluated: 2025-01-30. Review status: criteria provided, single submitter. Criteria: Ambry Variant Classification Scheme 2023. Collection method: clinical testing. Allele origin: germline.
Comment: The p.L403F variant (also known as c.1207C>T), located in coding exon 5 of the SH2B3 gene, results from a C to T substitution at nucleotide position 1207. The leucine at codon 403 is replaced by phenylalanine, an amino acid with highly similar properties. This amino acid position is conserved. In addition, this alteration is predicted to be deleterious by in silico analysis. Based on the available evidence, the clinical significance of this variant remains unclear.

NM_005475.3(SH2B3):c.1207C>T (p.Leu403Phe)

Gene: SH2B3 (SH2B adaptor protein 3; plus strand). Cytogenetic location: 12q24.12.
Variant type: single nucleotide variant.
Coding change: c.1207C>T on transcript NM_005475.3 (MANE Select); coding-DNA position 1207, C replaced by T.
Protein change: p.Leu403Phe; replaces leucine 403 with phenylalanine.
Molecular consequence: missense variant.
Genome position (GRCh38, 1-based): chr12:111,447,515, C>T. VCF-style: chr12-111447515-C-T. GRCh37 (hg19) VCF-style: chr12-111885319-C-T.
Other names: c.601C>T, p.Leu201Phe (NM_001291424.1); short protein forms L403F, L201F.
Identifiers: ClinVar variation 3795149 (VCV003795149.1).